The following is an entry in ClinVar:

ClinVar aggregate classification (germline): Uncertain significance. Review status: reviewed by expert panel (3 of 4 stars). 7 submissions from 7 submitters: Uncertain significance (1). 6 of the submissions do not count toward it. Last evaluated 2026-06-23.

Conditions:
Global developmental delay - lung cysts - overgrowth - Wilms tumor syndrome. Also called: GLOBAL DEVELOPMENTAL DELAY, LUNG CYSTS, OVERGROWTH, AND WILMS TUMOR; GLOW Syndrome. Identifiers: Orphanet 404476, MedGen C4748924, MONDO:0018445, OMIM 618272.
DICER1-related tumor predisposition. Also called: DICER1 syndrome; DICER1-related pleuropulmonary blastoma cancer predisposition syndrome. Identifiers: Orphanet 284343, MedGen C3839822, MONDO:0100216.
Hereditary cancer-predisposing syndrome. Also called: Tumor predisposition; Hereditary Cancer Syndrome; Neoplastic Syndromes, Hereditary; Hereditary neoplastic syndrome. Identifiers: Orphanet 140162, MedGen C0027672, MeSH D009386, MONDO:0015356.

Allele frequency attached by ClinVar (database versions not stated): gnomAD 0.00001.
gnomAD v4.1: 2 of 1,613,918 alleles (0.00012%); highest among the groups gnomAD compares: African/African-American, 0.0013%; no homozygotes.

Submissions (7):

ClinGen DICER1 and miRNA-Processing Gene Variant Curation Expert Panel, ClinGen
Classification: Uncertain significance for DICER1-related tumor predisposition. Last evaluated: 2026-06-23. Review status: reviewed by expert panel. Criteria: ClinGen DICER1 ACMG Specifications DICER1 V1.4.0. Collection method: curation. Allele origin: germline. Inheritance: Autosomal dominant inheritance.
Comment: The NM_177438.3:c.1047C>A variant in DICER1 is a missense variant predicted to replace aspartic acid with glutamic acid at codon 349 (p.Asp349Glu). This variant has an allele frequency of 0.000001239 (2/1613918 alleles) across gnomAD v4.1.0 with no more than one allele in any subpopulation, which is lower than the ClinGen DICER1 VCEP threshold (<0.000005) for PM2_Supporting, and therefore meets this criterion (PM2_Supporting). In silico tools predict no damaging impact of the variant on protein function (REVEL: 0.151; MaxEntScan and SpliceAI: no effect on splicing) (BP4). Although this variant has been observed in individuals undergoing genetic sequencing, to our knowledge, this variant has not been reported in individuals with DICER1-related tumor predisposition (PS4 not met; Internal lab contributors). In summary, this variant meets the criteria to be classified as Uncertain Significance for DICER1-related tumor predisposition based on the ACMG/AMP criteria applied, as specified by the ClinGen DICER1 VCEP: PM2_Supporting, BP4. (Bayesian Points: 0; VCEP specifications version 1.4.0; 06/23/2026).

Center for Genomic Medicine, Rigshospitalet, Copenhagen University Hospital
Classification: Uncertain significance. Last evaluated: 2025-12-29. Review status: criteria provided, single submitter. Criteria: ACMG Guidelines, 2015. Collection method: clinical testing. Allele origin: germline. Not counted in ClinVar's aggregate classification.
Comment: Classification criteria: BP4, PM2_supporting

Labcorp Genetics (formerly Invitae), Labcorp
Classification: Uncertain significance for DICER1-related tumor predisposition. Last evaluated: 2025-06-25. Review status: criteria provided, single submitter. Criteria: Invitae Variant Classification Sherloc (09022015). Collection method: clinical testing. Allele origin: germline. Not counted in ClinVar's aggregate classification.
Comment: This sequence change replaces aspartic acid, which is acidic and polar, with glutamic acid, which is acidic and polar, at codon 349 of the DICER1 protein (p.Asp349Glu). This variant is not present in population databases (gnomAD no frequency). This variant has not been reported in the literature in individuals affected with DICER1-related conditions. ClinVar contains an entry for this variant (Variation ID: 656642). Invitae Evidence Modeling of protein sequence and biophysical properties (such as structural, functional, and spatial information, amino acid conservation, physicochemical variation, residue mobility, and thermodynamic stability) indicates that this missense variant is not expected to disrupt DICER1 protein function with a negative predictive value of 95%. In summary, the available evidence is currently insufficient to determine the role of this variant in disease. Therefore, it has been classified as a Variant of Uncertain Significance.

Hereditary Cancer Group, L’Institut d'Investigació Biomèdica de Bellvitge
Classification: Uncertain significance for Hereditary cancer-predisposing syndrome. Last evaluated: 2024-12-19. Review status: criteria provided, single submitter. Criteria: Hatton et al. (Hum Mutat. 2023). Collection method: clinical testing. Allele origin: germline. Inheritance: Autosomal dominant inheritance. Affected: yes. Not counted in ClinVar's aggregate classification.
Comment: BP4

Ambry Genetics
Classification: Uncertain significance for Hereditary cancer-predisposing syndrome. Last evaluated: 2024-08-20. Review status: criteria provided, single submitter. Criteria: Ambry Variant Classification Scheme 2023. Collection method: clinical testing. Allele origin: germline. Not counted in ClinVar's aggregate classification.
Comment: The p.D349E variant (also known as c.1047C>A), located in coding exon 7 of the DICER1 gene, results from a C to A substitution at nucleotide position 1047. The aspartic acid at codon 349 is replaced by glutamic acid, an amino acid with highly similar properties. This amino acid position is highly conserved in available vertebrate species. In addition, this alteration is predicted to be tolerated by in silico analysis. Since supporting evidence is limited at this time, the clinical significance of this alteration remains unclear.

Baylor Genetics
Classification: Uncertain significance for Global developmental delay - lung cysts - overgrowth - Wilms tumor syndrome. Last evaluated: 2024-02-16. Review status: criteria provided, single submitter. Criteria: ACMG Guidelines, 2015. Collection method: clinical testing. Allele origin: unknown. Not counted in ClinVar's aggregate classification.

Sema4
Classification: Uncertain significance for Hereditary cancer-predisposing syndrome. Last evaluated: 2022-02-13. Review status: criteria provided, single submitter. Criteria: Sema4 Curation Guidelines. Collection method: curation. Allele origin: germline. Not counted in ClinVar's aggregate classification.
Comment: The DICER1 c.1047C>A (p.D349E) variant has not been reported in the literature to our knowledge. It was not observed in the large and broad cohorts of the Genome Aggregation Database. The variant has been reported in ClinVar (Variation ID 656642). Functional studies have not been performed, and in silico predictions of the variant's effect on protein function are inconclusive. The evidence is insufficient to meet ACMG/AMP criteria for classifying the variant as benign or pathogenic. Thus, the clinical significance of this variant is currently uncertain.

NM_177438.3(DICER1):c.1047C>A (p.Asp349Glu)

Gene: DICER1 (dicer 1, ribonuclease III; minus strand). Cytogenetic location: 14q32.13.
Variant type: single nucleotide variant.
Coding change: c.1047C>A on transcript NM_177438.3 (MANE Select); coding-DNA position 1047, C replaced by A.
Protein change: p.Asp349Glu; replaces aspartic acid 349 with glutamic acid.
Molecular consequence: missense variant.
Genome position (GRCh38, 1-based): chr14:95,124,525, G>T on the plus strand (C>A on the coding strand, the complement: DICER1 is on the minus strand). VCF-style: chr14-95124525-G-T. GRCh37 (hg19) VCF-style: chr14-95590862-G-T.
Other names: NM_177438.3(DICER1):c.1047C>A; p.Asp349Glu; c.1047C>A, p.Asp349Glu (NM_001195573.1, NM_001271282.3, NM_001291628.2 and 1 more transcripts); short protein forms D349E.
Identifiers: ClinVar variation 656642 (VCV000656642.21), dbSNP rs1381966696, ClinGen allele CA390887078.